The following is an entry in ClinVar:

NM_033118.4(MYLK2):c.113C>A (p.Pro38His)

Gene: MYLK2 (myosin light chain kinase 2; plus strand). Cytogenetic location: 20q11.21.
Variant type: single nucleotide variant.
Coding change: c.113C>A on transcript NM_033118.4 (MANE Select); coding-DNA position 113, C replaced by A.
Protein change: p.Pro38His; replaces proline 38 with histidine.
Molecular consequence: missense variant.
Genome position (GRCh38, 1-based): chr20:31,820,186, C>A. VCF-style: chr20-31820186-C-A. GRCh37 (hg19) VCF-style: chr20-30407989-C-A.
Other names: short protein forms P38H.
Identifiers: ClinVar variation 2805640 (VCV002805640.3), dbSNP rs748682977, ClinGen allele CA9802844.

ClinVar aggregate classification (germline): Uncertain significance (1 of 4 stars; one submission).

Conditions:
Hypertrophic cardiomyopathy 1 (CMH1). Also called: MYH7-Related Familial Hypertrophic Cardiomyopathy; Familial hypertrophic cardiomyopathy 1. Identifiers: MedGen C3495498, MONDO:0008647, OMIM 192600.

Allele frequency attached by ClinVar (database versions not stated): ExAC 0.00001; gnomAD 0.00001; TOPMed 0.00001.
gnomAD v4.1: 2 of 1,613,920 alleles (0.00012%); highest among the groups gnomAD compares: African/African-American, 0.0013%; no homozygotes.

Submission:

Labcorp Genetics (formerly Invitae), Labcorp
Classification: Uncertain significance for Hypertrophic cardiomyopathy 1. Last evaluated: 2023-01-01. Review status: criteria provided, single submitter. Criteria: Invitae Variant Classification Sherloc (09022015). Collection method: clinical testing. Allele origin: germline.
Comment: In summary, the available evidence is currently insufficient to determine the role of this variant in disease. Therefore, it has been classified as a Variant of Uncertain Significance. Algorithms developed to predict the effect of missense changes on protein structure and function are either unavailable or do not agree on the potential impact of this missense change (SIFT: "Deleterious"; PolyPhen-2: "Possibly Damaging"; Align-GVGD: "Class C0"). This variant has not been reported in the literature in individuals affected with MYLK2-related conditions. This variant is present in population databases (rs748682977, gnomAD 0.007%). This sequence change replaces proline, which is neutral and non-polar, with histidine, which is basic and polar, at codon 38 of the MYLK2 protein (p.Pro38His).